The following is an entry in ClinVar:

NM_000393.5(COL5A2):c.2107G>A (p.Ala703Thr)

Gene: COL5A2 (collagen type V alpha 2 chain; minus strand). Cytogenetic location: 2q32.2.
Variant type: single nucleotide variant.
Coding change: c.2107G>A on transcript NM_000393.5 (MANE Select); coding-DNA position 2107, G replaced by A.
Protein change: p.Ala703Thr; replaces alanine 703 with threonine.
Molecular consequence: missense variant.
Genome position (GRCh38, 1-based): chr2:189,058,872, C>T on the plus strand (G>A on the coding strand, the complement: COL5A2 is on the minus strand). VCF-style: chr2-189058872-C-T. GRCh37 (hg19) VCF-style: chr2-189923598-C-T.
Other names: short protein forms A703T.
Identifiers: ClinVar variation 2916857 (VCV002916857.3), dbSNP rs1161664875, ClinGen allele CA349876291.

ClinVar aggregate classification (germline): Uncertain significance (1 of 4 stars; one submission).

Conditions:
Ehlers-Danlos syndrome, classic type, 1 (EDSCL1). Also called: EDS I; EHLERS-DANLOS SYNDROME, GRAVIS TYPE; EHLERS-DANLOS SYNDROME, SEVERE CLASSIC TYPE; Ehlers-Danlos syndrome, type 1; Ehlers-Danlos Syndrome, Classic Type, COL5A1-Related. Identifiers: MedGen C0268335, MONDO:0019567, OMIM 130000.

Allele frequency attached by ClinVar (database versions not stated): TOPMed below 0.00001; gnomAD exomes 0.00001.
gnomAD v4.1: 16 of 1,611,546 alleles (0.00099%); highest among the groups gnomAD compares: Admixed American, 0.0017%; no homozygotes.

Submission:

Labcorp Genetics (formerly Invitae), Labcorp
Classification: Uncertain significance for Ehlers-Danlos syndrome, classic type, 1. Last evaluated: 2025-10-03. Review status: criteria provided, single submitter. Criteria: Invitae Variant Classification Sherloc (09022015). Collection method: clinical testing. Allele origin: germline.
Comment: This sequence change replaces alanine, which is neutral and non-polar, with threonine, which is neutral and polar, at codon 703 of the COL5A2 protein (p.Ala703Thr). This variant is present in population databases (no rsID available, gnomAD 0.0009%). This variant has not been reported in the literature in individuals affected with COL5A2-related conditions. ClinVar contains an entry for this variant (Variation ID: 2916857). Invitae Evidence Modeling of protein sequence and biophysical properties (such as structural, functional, and spatial information, amino acid conservation, physicochemical variation, residue mobility, and thermodynamic stability) indicates that this missense variant is not expected to disrupt COL5A2 protein function with a negative predictive value of 80%. In summary, the available evidence is currently insufficient to determine the role of this variant in disease. Therefore, it has been classified as a Variant of Uncertain Significance.